The following is an entry in ClinVar:

NM_001081.4(CUBN):c.2005T>C (p.Ser669Pro)

Gene: CUBN (cubilin; minus strand). Cytogenetic location: 10p13.
Variant type: single nucleotide variant.
Coding change: c.2005T>C on transcript NM_001081.4 (MANE Select); coding-DNA position 2005, T replaced by C.
Protein change: p.Ser669Pro; replaces serine 669 with proline.
Molecular consequence: missense variant.
Genome position (GRCh38, 1-based): chr10:17,085,702, A>G on the plus strand (T>C on the coding strand, the complement: CUBN is on the minus strand). VCF-style: chr10-17085702-A-G. GRCh37 (hg19) VCF-style: chr10-17127701-A-G.
Other names: short protein forms S669P.
Identifiers: ClinVar variation 861245 (VCV000861245.8), dbSNP rs751139014, ClinGen allele CA5425126.

ClinVar aggregate classification (germline): Uncertain significance. Review status: criteria provided, multiple submitters, no conflicts (2 of 4 stars). 2 submissions from 2 submitters: Uncertain significance (2). Last evaluated 2022-08-03.

Conditions:
Imerslund-Grasbeck syndrome type 1 (IGS1). Also called: Megaloblastic anemia 1, Finnish type; MEGALOBLASTIC ANEMIA, 1; Imerslund-Gräsbeck syndrome 1. Identifiers: MedGen C4016819, MONDO:0100156, OMIM 261100.
Proteinuria, chronic benign. Identifiers: MedGen C5394384, MONDO:0030042, OMIM 618884.
Imerslund-Grasbeck syndrome. Also called: Imerslund-Gräsbeck syndrome; Megaloblastic anemia due to inborn errors of metabolism; ENTEROCYTE COBALAMIN MALABSORPTION; ENTEROCYTE INTRINSIC FACTOR RECEPTOR, DEFECT OF; PERNICIOUS ANEMIA, JUVENILE, DUE TO SELECTIVE INTESTINAL MALABSORPTION OF VITAMIN B12, WITH PROTEINURIA. Identifiers: Orphanet 35858, MedGen C4551825, MONDO:0009853.

Allele frequency attached by ClinVar (database versions not stated): TOPMed 0.00004; gnomAD exomes 0.00006; ExAC 0.00004; gnomAD 0.00001 and 0.00002.
gnomAD v4.1: 44 of 1,613,988 alleles (0.0027%); highest among the groups gnomAD compares: Admixed American, 0.023%; no homozygotes.

Submissions (2):

Labcorp Genetics (formerly Invitae), Labcorp
Classification: Uncertain significance for Imerslund-Grasbeck syndrome. Last evaluated: 2022-08-03. Review status: criteria provided, single submitter. Criteria: Invitae Variant Classification Sherloc (09022015). Collection method: clinical testing. Allele origin: germline.
Comment: This sequence change replaces serine, which is neutral and polar, with proline, which is neutral and non-polar, at codon 669 of the CUBN protein (p.Ser669Pro). This variant is present in population databases (rs751139014, gnomAD 0.03%). This variant has not been reported in the literature in individuals affected with CUBN-related conditions. ClinVar contains an entry for this variant (Variation ID: 861245). Algorithms developed to predict the effect of missense changes on protein structure and function are either unavailable or do not agree on the potential impact of this missense change (SIFT: "Tolerated"; PolyPhen-2: "Probably Damaging"; Align-GVGD: "Class C0"). In summary, the available evidence is currently insufficient to determine the role of this variant in disease. Therefore, it has been classified as a Variant of Uncertain Significance.

Fulgent Genetics
Classification: Uncertain significance for Imerslund-Grasbeck syndrome type 1; Proteinuria, chronic benign. Last evaluated: 2022-05-03. Review status: criteria provided, single submitter. Criteria: ACMG Guidelines, 2015. Collection method: clinical testing. Allele origin: unknown.